The following is an entry in ClinVar:

ClinVar aggregate classification (germline): Uncertain significance. Review status: criteria provided, multiple submitters, no conflicts (2 of 4 stars). 2 submissions from 2 submitters: Uncertain significance (2). Last evaluated 2025-03-10.

Allele frequency attached by ClinVar (database versions not stated): ExAC 0.00001; TOPMed 0.00001.
gnomAD v4.1: 16 of 1,614,112 alleles (0.00099%); highest among the groups gnomAD compares: Admixed American, 0.0033%; no homozygotes.

Submissions (2):

Labcorp Genetics (formerly Invitae), Labcorp
Classification: Uncertain significance. Last evaluated: 2025-03-10. Review status: criteria provided, single submitter. Criteria: Invitae Variant Classification Sherloc (09022015). Collection method: clinical testing. Allele origin: germline.
Comment: This sequence change replaces leucine, which is neutral and non-polar, with arginine, which is basic and polar, at codon 203 of the MRAS protein (p.Leu203Arg). This variant is present in population databases (rs775127858, gnomAD 0.006%). This variant has not been reported in the literature in individuals affected with MRAS-related conditions. ClinVar contains an entry for this variant (Variation ID: 2080808). An algorithm developed to predict the effect of missense changes on protein structure and function (PolyPhen-2) suggests that this variant is likely to be tolerated. In summary, the available evidence is currently insufficient to determine the role of this variant in disease. Therefore, it has been classified as a Variant of Uncertain Significance.

CeGaT Center for Human Genetics Tuebingen
Classification: Uncertain significance. Last evaluated: 2024-07-01. Review status: criteria provided, single submitter. Criteria: CeGaT Center For Human Genetics Tuebingen Variant Classification Criteria Version 2. Collection method: clinical testing. Allele origin: germline. Affected: yes. Observed: 1 variant allele.
Comment: MRAS: PP2

NM_001085049.3(MRAS):c.608T>G (p.Leu203Arg)

Gene: MRAS (muscle RAS oncogene homolog; plus strand). Cytogenetic location: 3q22.3.
Variant type: single nucleotide variant.
Coding change: c.608T>G on transcript NM_001085049.3 (MANE Select); coding-DNA position 608, T replaced by G.
Protein change: p.Leu203Arg; replaces leucine 203 with arginine.
Molecular consequence: missense variant.
Genome position (GRCh38, 1-based): chr3:138,402,250, T>G. VCF-style: chr3-138402250-T-G. GRCh37 (hg19) VCF-style: chr3-138121092-T-G.
Other names: c.608T>G, p.Leu203Arg (NM_001252090.2, NM_012219.4); c.380T>G, p.Leu127Arg (NM_001252091.1, NM_001252092.2, NM_001252093.2); short protein forms L203R, L127R.
Identifiers: ClinVar variation 2080808 (VCV002080808.21), dbSNP rs775127858, ClinGen allele CA2637064.